The following is an entry in ClinVar:

Single allele

Gene: ZNF717 (zinc finger protein 717; minus strand). Cytogenetic location: 3p12.3.
Variant type: Complex.
Identifiers: ClinVar variation 221336 (VCV000221336.2).

ClinVar aggregate classification (germline): Uncertain significance (0 of 4 stars; one submission).

Conditions:
Breast ductal adenocarcinoma. Also called: Ductal breast carcinoma; Breast cancer, invasive ductal. Identifiers: MedGen C1527349, MONDO:0005590.

Submission:

Next Generation Diagnostics, Novartis Institutes for BioMedical Research, Inc.
Classification: Uncertain significance for Breast ductal adenocarcinoma. Last evaluated: 2015-07-20. Review status: no assertion criteria provided. Collection method: research. Allele origin: somatic. Affected: yes.
Comment: Loss of heterozygosity